The following is an entry in ClinVar:

ClinVar aggregate classification (germline): Conflicting classifications of pathogenicity. Review status: criteria provided, conflicting classifications (1 of 4 stars). 7 submissions from 7 submitters: Uncertain significance (3); Likely benign (4). Last evaluated 2026-07-20.

Conditions:
Cardiovascular phenotype. Identifiers: MedGen CN230736.
Cardiomyopathy (CMYO). Also called: Cardiomyopathies. Identifiers: Orphanet 167848, MedGen C0878544, MONDO:0004994, HP:0001638. Inheritance: Various modes of inheritance.
TTN-related disorder. Also called: TTN-related condition; TTN-related disease; TTN-related disorders.

Allele frequency attached by ClinVar (database versions not stated): 1000 Genomes Project 30x 0.00016; ESP Exome Variant Server 0.00016; 1000 Genomes Project 0.00020; TOPMed 0.00022.
gnomAD v4.1: 54 of 1,613,758 alleles (0.0033%); highest among the groups gnomAD compares: African/African-American, 0.065%; no homozygotes.

Submissions (7):

PreventionGenetics, part of Exact Sciences
Classification: Uncertain significance for TTN-related condition. Last evaluated: 2026-07-20. Review status: criteria provided, single submitter. Criteria: ACMG Guidelines, 2015. Collection method: clinical testing. Allele origin: germline.
Comment: The TTN c.98893G>A variant is predicted to result in the amino acid substitution p.Asp32965Asn. This variant has been reported in an individual with atrial fibrillation (Table S1, Pavel et al. 2026. PubMed ID: 41569083). This variant is reported in 0.066% of alleles in individuals of African descent in gnomAD. Although we suspect that this variant may be benign, at this time, the clinical significance of this variant is uncertain due to the absence of conclusive functional and genetic evidence.

Women's Health and Genetics/Laboratory Corporation of America, LabCorp
Classification: Likely benign. Last evaluated: 2026-06-01. Review status: criteria provided, single submitter. Criteria: LabCorp Variant Classification Summary - May 2015. Collection method: clinical testing. Allele origin: germline.
Comment: Variant summary: TTN c.91189G>A (p.Asp30397Asn) results in a conservative amino acid change in the encoded protein sequence. Algorithms developed to predict the effect of missense changes on protein structure and function are either unavailable or do not agree on the potential impact of this missense change. The variant allele was found at a frequency of 4.4e-05 in 248670 control chromosomes, predominantly at a frequency of 0.00071 within the African or African-American subpopulation in the gnomAD database. The observed variant frequency within African or African-American control individuals in the gnomAD database exceeds the estimated maximal expected allele frequency for disease-causing variants in TTN. c.91189G>A, described as p.D32965N, has been observed in a heterozygous state in one individual affected with TTN-related AF without strong evidence for causality (Pavel_2026). These report(s) do not provide unequivocal conclusions about association of the variant with disease. To our knowledge, no experimental evidence demonstrating an impact on protein function has been reported. The following publication has been ascertained in the context of this evaluation (PMID: 41569083). ClinVar contains an entry for this variant (Variation ID: 626399). Based on the evidence outlined above, the variant was classified as likely benign.

Molecular Diagnostic Laboratory for Inherited Cardiovascular Disease, Montreal Heart Institute
Classification: Likely benign. Last evaluated: 2025-04-09. Review status: criteria provided, single submitter. Criteria: ACMG Guidelines, 2015. Collection method: clinical testing. Allele origin: germline. Affected: no.
Comment: BP1

Ambry Genetics
Classification: Likely benign for Cardiovascular phenotype. Last evaluated: 2020-04-14. Review status: criteria provided, single submitter. Criteria: Ambry Variant Classification Scheme 2023. Collection method: clinical testing. Allele origin: germline.

GeneDx
Classification: Likely benign. Last evaluated: 2020-02-11. Review status: criteria provided, single submitter. Criteria: GeneDx Variant Classification Process June 2021. Collection method: clinical testing. Allele origin: germline. Affected: yes.

Revvity Omics, Revvity
Classification: Uncertain significance. Last evaluated: 2019-05-06. Review status: criteria provided, single submitter. Criteria: ACMG Guidelines, 2015. Collection method: clinical testing. Allele origin: germline.

CHEO Genetics Diagnostic Laboratory, Children's Hospital of Eastern Ontario
Classification: Uncertain significance for Cardiomyopathy. Last evaluated: 2016-07-12. Review status: criteria provided, single submitter. Criteria: ACMG Guidelines, 2015. Collection method: clinical testing. Allele origin: germline. Study: Canadian Open Genetics Repository.

Literature cited by the submitters: PubMed 41569083 (cited by Women's Health and Genetics/Laboratory Corporation of America, LabCorp).

NM_001267550.2(TTN):c.98893G>A (p.Asp32965Asn)

Genes: TTN (titin; minus strand), TTN-AS1 (TTN antisense RNA 1; plus strand). Cytogenetic location: 2q31.2.
Variant type: single nucleotide variant.
Coding change: c.98893G>A on transcript NM_001267550.2 (MANE Select); coding-DNA position 98893, G replaced by A.
Protein change: p.Asp32965Asn; replaces aspartic acid 32965 with asparagine.
Molecular consequence: missense variant. On other transcripts: non-coding transcript variant (1).
Genome position (GRCh38, 1-based): chr2:178,539,042, C>T on the plus strand (G>A on the coding strand, the complement: TTN is on the minus strand). VCF-style: chr2-178539042-C-T. GRCh37 (hg19) VCF-style: chr2-179403769-C-T.
Other names: c.93970G>A, p.Asp31324Asn (NM_001256850.1); c.71698G>A, p.Asp23900Asn (NM_003319.4); c.91189G>A, p.Asp30397Asn (NM_133378.4); c.72073G>A, p.Asp24025Asn (NM_133432.3); c.72274G>A, p.Asp24092Asn (NM_133437.4); short protein forms D31324N, D32965N, D24025N, D30397N, D23900N, D24092N.
Identifiers: ClinVar variation 626399 (VCV000626399.13), dbSNP rs186405108, ClinGen allele CA1986295.